The following is an entry in ClinVar:

NM_004113.6(FGF12):c.515G>T (p.Gly172Val)

Gene: FGF12 (fibroblast growth factor 12; minus strand). Cytogenetic location: 3q28.
Variant type: single nucleotide variant.
Coding change: c.515G>T on transcript NM_004113.6 (MANE Select); coding-DNA position 515, G replaced by T.
Protein change: p.Gly172Val; replaces glycine 172 with valine.
Molecular consequence: missense variant.
Genome position (GRCh38, 1-based): chr3:192,144,040, C>A on the plus strand (G>T on the coding strand, the complement: FGF12 is on the minus strand). VCF-style: chr3-192144040-C-A. GRCh37 (hg19) VCF-style: chr3-191861829-C-A.
Other names: c.404G>T, p.Gly135Val (NM_001377292.1); c.443G>T, p.Gly148Val (NM_001377293.1, NM_001377294.1); c.701G>T, p.Gly234Val (NM_021032.5); short protein forms G172V, G234V, G148V, G135V.
Identifiers: ClinVar variation 2743776 (VCV002743776.3), dbSNP rs2473889640, ClinGen allele CA355865618.

ClinVar aggregate classification (germline): Uncertain significance (1 of 4 stars; one submission).

Submission:

Labcorp Genetics (formerly Invitae), Labcorp
Classification: Uncertain significance. Last evaluated: 2024-05-15. Review status: criteria provided, single submitter. Criteria: Invitae Variant Classification Sherloc (09022015). Collection method: clinical testing. Allele origin: germline.
Comment: This sequence change replaces glycine, which is neutral and non-polar, with valine, which is neutral and non-polar, at codon 234 of the FGF12 protein (p.Gly234Val). This variant is not present in population databases (gnomAD no frequency). This variant has not been reported in the literature in individuals affected with FGF12-related conditions. Advanced modeling of protein sequence and biophysical properties (such as structural, functional, and spatial information, amino acid conservation, physicochemical variation, residue mobility, and thermodynamic stability) performed at Invitae indicates that this missense variant is not expected to disrupt FGF12 protein function with a negative predictive value of 80%. Algorithms developed to predict the effect of sequence changes on RNA splicing suggest that this variant may create or strengthen a splice site. In summary, the available evidence is currently insufficient to determine the role of this variant in disease. Therefore, it has been classified as a Variant of Uncertain Significance.